The following is an entry in ClinVar:

NM_001001480.3(KRTAP5-5):c.102C>T (p.Gly34=)

Gene: KRTAP5-5 (keratin associated protein 5-5; plus strand). Cytogenetic location: 11p15.5.
Variant type: single nucleotide variant.
Coding change: c.102C>T on transcript NM_001001480.3 (MANE Select); coding-DNA position 102, C replaced by T.
Protein change: p.Gly34=; no amino-acid change (glycine 34 retained).
Molecular consequence: synonymous variant.
Genome position (GRCh38, 1-based): chr11:1,629,942, C>T. VCF-style: chr11-1629942-C-T. GRCh37 (hg19) VCF-style: chr11-1651172-C-T.
Identifiers: ClinVar variation 3239247 (VCV003239247.19), dbSNP rs758981779.

ClinVar aggregate classification (germline): Likely benign (1 of 4 stars; one submission).

Allele frequency attached by ClinVar (database versions not stated): ExAC 0.00002; gnomAD 0.00001.

Submission:

CeGaT Center for Human Genetics Tuebingen
Classification: Likely benign. Last evaluated: 2024-05-01. Review status: criteria provided, single submitter. Criteria: CeGaT Center For Human Genetics Tuebingen Variant Classification Criteria Version 2. Collection method: clinical testing. Allele origin: germline. Affected: yes. Observed: 1 variant allele.
Comment: KRTAP5-5: BP4, BP7, BS2